The following is an entry in ClinVar:

ClinVar aggregate classification (germline): Uncertain significance. Review status: criteria provided, multiple submitters, no conflicts (2 of 4 stars). 2 submissions from 2 submitters: Uncertain significance (2). Last evaluated 2025-09-27.

Conditions:
Inborn genetic diseases. Identifiers: MedGen C0950123, MeSH D030342.
Neutropenia, severe congenital, 1, autosomal dominant. Identifiers: MedGen C1859966, MONDO:0042490, OMIM 202700.
Cyclical neutropenia. Also called: Cyclic hematopoiesis; Cyclic Neutropenia. Identifiers: Orphanet 2686, MedGen C0221023, MONDO:0008090, OMIM 162800, HP:0040289. Disease mechanism: loss of function.

Submissions (2):

Ambry Genetics
Classification: Uncertain significance for Inborn genetic diseases. Last evaluated: 2025-09-27. Review status: criteria provided, single submitter. Criteria: Ambry Variant Classification Scheme 2023. Collection method: clinical testing. Allele origin: germline.
Comment: The p.N162H variant (also known as c.484A>C), located in coding exon 4 of the ELANE gene, results from an A to C substitution at nucleotide position 484. The asparagine at codon 162 is replaced by histidine, an amino acid with similar properties. This amino acid position is conserved. In addition, the in silico prediction for this alteration is inconclusive. Based on the available evidence, the clinical significance of this variant remains unclear.

Labcorp Genetics (formerly Invitae), Labcorp
Classification: Uncertain significance for Neutropenia, severe congenital, 1, autosomal dominant; Cyclical neutropenia. Last evaluated: 2024-02-06. Review status: criteria provided, single submitter. Criteria: Invitae Variant Classification Sherloc (09022015). Collection method: clinical testing. Allele origin: germline.
Comment: This sequence change replaces asparagine, which is neutral and polar, with histidine, which is basic and polar, at codon 162 of the ELANE protein (p.Asn162His). This variant is not present in population databases (gnomAD no frequency). This variant has not been reported in the literature in individuals affected with ELANE-related conditions. Algorithms developed to predict the effect of missense changes on protein structure and function output the following: SIFT: "Not Available"; PolyPhen-2: "Benign"; Align-GVGD: "Not Available". The histidine amino acid residue is found in multiple mammalian species, which suggests that this missense change does not adversely affect protein function. In summary, the available evidence is currently insufficient to determine the role of this variant in disease. Therefore, it has been classified as a Variant of Uncertain Significance.

NM_001972.4(ELANE):c.484A>C (p.Asn162His)

Gene: ELANE (elastase, neutrophil expressed; plus strand). Cytogenetic location: 19p13.3.
Variant type: single nucleotide variant.
Coding change: c.484A>C on transcript NM_001972.4 (MANE Select); coding-DNA position 484, A replaced by C.
Protein change: p.Asn162His; replaces asparagine 162 with histidine.
Molecular consequence: missense variant.
Genome position (GRCh38, 1-based): chr19:855,681, A>C. VCF-style: chr19-855681-A-C. GRCh37 (hg19) VCF-style: chr19-855681-A-C.
Other names: short protein forms N162H.
Identifiers: ClinVar variation 3752843 (VCV003752843.3).
Genomic context (GRCh38, chr19:855,681, plus strand): 5'-GGACGCCGCCTGGGCAACGGGGTGCAGTGCCTGGCCATGGGCTGGGGCCTTCTGGGCAGG[A>C]ACCGTGGGATCGCCAGCGTCCTGCAGGAGCTCAACGTGACGGTGGTGACGTCCCTCTGCC-3'
Protein context (NP_001963.1, residues 152-172): LAMGWGLLGR[Asn162His]RGIASVLQEL